The following is an entry in ClinVar:

ClinVar aggregate classification (germline): Likely pathogenic (1 of 4 stars; one submission).

Allele frequency attached by ClinVar (database versions not stated): gnomAD exomes below 0.00001 and 0.00002; TOPMed below 0.00001.
gnomAD v4.1: 30 of 1,613,232 alleles (0.0019%); highest among the groups gnomAD compares: Non-Finnish European, 0.0025%; no homozygotes.

Submission:

GeneDx
Classification: Likely pathogenic. Last evaluated: 2014-01-06. Review status: criteria provided, single submitter. Criteria: GeneDx Variant Classification (06012015). Collection method: clinical testing. Allele origin: germline. Affected: yes.
Comment: p.Thr49Ala (ACA>GCA): c.145 A>G in exon 1 of the MARS2 gene (NM_138395.3). The T49A missense change has not been published as a mutation, nor has it been reported as a benign polymorphism to our knowledge. The amino acid substitution is non-conservative in that a polar Threonine residue is replaced by a non-polar Alanine residue. This change occurs at a position that is highly conserved in the tRNA synthetase class I(M) domain of the MARS2 protein and in silico analysis predicts T49A is likely damaging to the structure/function of the protein. Therefore, T49A is a strong candidate for a disease-causing mutation, however the possibility that it is a benign variant cannot be excluded. The variant is found in MITONUC-MITOP panel(s).

NM_138395.4(MARS2):c.145A>G (p.Thr49Ala)

Gene: MARS2 (methionyl-tRNA synthetase 2, mitochondrial; plus strand). Cytogenetic location: 2q33.1.
Variant type: single nucleotide variant.
Coding change: c.145A>G on transcript NM_138395.4 (MANE Select); coding-DNA position 145, A replaced by G.
Protein change: p.Thr49Ala; replaces threonine 49 with alanine.
Molecular consequence: missense variant.
Genome position (GRCh38, 1-based): chr2:197,705,550, A>G. VCF-style: chr2-197705550-A-G. GRCh37 (hg19) VCF-style: chr2-198570274-A-G.
Other names: p.T49A:ACA>GCA; short protein forms T49A.
Identifiers: ClinVar variation 214632 (VCV000214632.2), dbSNP rs757649757, ClinGen allele CA320211.
Genomic context (GRCh38, chr2:197,705,550, plus strand): 5'-TACAGTTCGGGCTCCCTCAGTGCCGGCGATGATGCTTGTGATGTGCGCGCCTACTTCACT[A>G]CACCCATTTTCTACGTGAACGCGGCGCCGCACATCGGGCACCTGTACTCGGCACTACTGG-3'
Protein context (NP_612404.1, residues 39-59): DACDVRAYFT[Thr49Ala]PIFYVNAAPH